The following is an entry in ClinVar:

ClinVar aggregate classification (germline): Uncertain significance (1 of 4 stars; one submission).

Conditions:
Familial sleep-related hypermotor epilepsy. Also called: Autosomal Dominant Sleep-Related Hypermotor (Hyperkinetic) Epilepsy. Identifiers: Orphanet 98784, MedGen C3696898, MONDO:0000030.

Allele frequency attached by ClinVar (database versions not stated): gnomAD exomes 0.00001; gnomAD 0.00001; ExAC 0.00002; ESP Exome Variant Server 0.00008.
gnomAD v4.1: 5 of 1,612,438 alleles (0.00031%); highest among the groups gnomAD compares: South Asian, 0.0011%; no homozygotes.

Submission:

Labcorp Genetics (formerly Invitae), Labcorp
Classification: Uncertain significance. Last evaluated: 2024-04-10. Review status: criteria provided, single submitter. Criteria: Invitae Variant Classification Sherloc (09022015). Collection method: clinical testing. Allele origin: germline.
Comment: This sequence change falls in intron 2 of the CHRNA4 gene. It does not directly change the encoded amino acid sequence of the CHRNA4 protein. It affects a nucleotide within the consensus splice site. This variant is present in population databases (rs367917715, gnomAD 0.004%). This variant has not been reported in the literature in individuals affected with CHRNA4-related conditions. ClinVar contains an entry for this variant (Variation ID: 1431016). Variants that disrupt the consensus splice site are a relatively common cause of aberrant splicing (PMID: 17576681, 9536098). Algorithms developed to predict the effect of sequence changes on RNA splicing suggest that this variant is not likely to affect RNA splicing. In summary, the available evidence is currently insufficient to determine the role of this variant in disease. Therefore, it has been classified as a Variant of Uncertain Significance.

Literature cited by the submitters: PubMed 17576681; PubMed 9536098.

NM_000744.7(CHRNA4):c.228+6T>C

Gene: CHRNA4 (cholinergic receptor nicotinic alpha 4 subunit; minus strand). Cytogenetic location: 20q13.33.
Variant type: single nucleotide variant.
Coding change: c.228+6T>C on transcript NM_000744.7 (MANE Select); 6 bases into the intron after coding-DNA position 228, T replaced by C.
Molecular consequence: intron variant.
Genome position (GRCh38, 1-based): chr20:63,359,542, A>G on the plus strand (T>C on the coding strand, the complement: CHRNA4 is on the minus strand). VCF-style: chr20-63359542-A-G. GRCh37 (hg19) VCF-style: chr20-61990894-A-G.
Other names: c.-319+6T>C (NM_001256573.2).
Identifiers: ClinVar variation 1431016 (VCV001431016.6), dbSNP rs367917715, ClinGen allele CA9957938.
Genomic context (GRCh38, chr20:63,359,542, plus strand): 5'-CCAGACCCCTGTGCTCCTTGCAGGGCGACCTCAGTCACAGTGCACGATGGCCACGCCCTC[A>G]CCTACCACGTCAATGAGCTGAGCGATGGACAGGCCGAAGCGGACGAGGACCACGTCCGAG-3'